The following is an entry in ClinVar:

NM_000282.4(PCCA):c.1124G>A (p.Arg375His)

Gene: PCCA (propionyl-CoA carboxylase subunit alpha; plus strand). Cytogenetic location: 13q32.3.
Variant type: single nucleotide variant.
Coding change: c.1124G>A on transcript NM_000282.4 (MANE Select); coding-DNA position 1124, G replaced by A.
Protein change: p.Arg375His; replaces arginine 375 with histidine.
Molecular consequence: missense variant. On other transcripts: non-coding transcript variant (5), intron variant (3).
Genome position (GRCh38, 1-based): chr13:100,301,518, G>A. VCF-style: chr13-100301518-G-A. GRCh37 (hg19) VCF-style: chr13-100953772-G-A.
Other names: c.1046G>A, p.Arg349His (NM_001127692.3, NM_001352607.2); c.1124G>A, p.Arg375His (NM_001178004.2, NM_001352605.2, NM_001352609.2); c.179G>A, p.Arg60His (NM_001352610.2, NM_001352611.2); c.1066-1406G>A (NM_001352606.2); c.121-1406G>A (NM_001352612.2); c.988-1406G>A (NM_001352608.2); short protein forms R60H, R375H, R349H.
Identifiers: ClinVar variation 1361987 (VCV001361987.4), dbSNP rs778042583, ClinGen allele CA7033513.

ClinVar aggregate classification (germline): Uncertain significance (1 of 4 stars; one submission).

Conditions:
Propionic acidemia (PROP). Also called: HYPERGLYCINEMIA WITH KETOACIDOSIS AND LEUKOPENIA; KETOTIC HYPERGLYCINEMIA; GLYCINEMIA, KETOTIC. Identifiers: Orphanet 35, MedGen C0268579, MONDO:0011628, OMIM 606054, HP:0003571.

Allele frequency attached by ClinVar (database versions not stated): ExAC 0.00001; gnomAD exomes 0.00001; TOPMed 0.00001.
gnomAD v4.1: 8 of 1,614,024 alleles (0.0005%); highest among the groups gnomAD compares: East Asian, 0.0022%; no homozygotes.

Submission:

Labcorp Genetics (formerly Invitae), Labcorp
Classification: Uncertain significance for Propionic acidemia. Last evaluated: 2025-06-12. Review status: criteria provided, single submitter. Criteria: Invitae Variant Classification Sherloc (09022015). Collection method: clinical testing. Allele origin: germline.
Comment: This sequence change replaces arginine, which is basic and polar, with histidine, which is basic and polar, at codon 375 of the PCCA protein (p.Arg375His). This variant is present in population databases (rs778042583, gnomAD 0.01%). This variant has not been reported in the literature in individuals affected with PCCA-related conditions. ClinVar contains an entry for this variant (Variation ID: 1361987). Invitae Evidence Modeling of protein sequence and biophysical properties (such as structural, functional, and spatial information, amino acid conservation, physicochemical variation, residue mobility, and thermodynamic stability) has been performed for this missense variant. However, the output from this modeling did not meet the statistical confidence thresholds required to predict the impact of this variant on PCCA protein function. In summary, the available evidence is currently insufficient to determine the role of this variant in disease. Therefore, it has been classified as a Variant of Uncertain Significance.